The following is an entry in ClinVar:

ClinVar aggregate classification (germline): Likely benign. Review status: criteria provided, multiple submitters, no conflicts (2 of 4 stars). 7 submissions from 7 submitters: Likely benign (6). 1 of the submissions does not count toward it. Last evaluated 2026-01-31.

Conditions:
KMT2D-related disorder. Also called: KMT2D-Related Disorders.
Kabuki syndrome. Also called: Kabuki make-up syndrome; NIIKAWA-KUROKI SYNDROME. Identifiers: Orphanet 2322, MedGen C0796004, MONDO:0016512.
Kabuki syndrome 1 (KABUK1). Also called: KMT2D-Related Kabuki Syndrome. Identifiers: Orphanet 2322, MedGen CN030661, MONDO:0007843, OMIM 147920.

Allele frequency attached by ClinVar (database versions not stated): ExAC 0.00011; gnomAD 0.00011 and 0.00013; gnomAD exomes 0.00012 and 0.00017; TOPMed 0.00022.
gnomAD v4.1: 270 of 1,613,798 alleles (0.017%); highest among the groups gnomAD compares: Admixed American, 0.05%; 1 homozygote.

Submissions (7):

Labcorp Genetics (formerly Invitae), Labcorp
Classification: Likely benign for Kabuki syndrome. Last evaluated: 2026-01-31. Review status: criteria provided, single submitter. Criteria: Invitae Variant Classification Sherloc (09022015). Collection method: clinical testing. Allele origin: germline.

CeGaT Center for Human Genetics Tuebingen
Classification: Likely benign. Last evaluated: 2025-06-01. Review status: criteria provided, single submitter. Criteria: CeGaT Center For Human Genetics Tuebingen Variant Classification Criteria Version 2. Collection method: clinical testing. Allele origin: germline. Affected: yes. Observed: 1 variant allele.
Comment: KMT2D: BP4, BP7

Blueprint Genetics
Classification: Likely benign. Last evaluated: 2024-10-21. Review status: criteria provided, single submitter. Criteria: ACMG Guidelines, 2015. Collection method: clinical testing. Allele origin: germline.

Fulgent Genetics
Classification: Likely benign for Kabuki syndrome 1. Last evaluated: 2021-09-02. Review status: criteria provided, single submitter. Criteria: ACMG Guidelines, 2015. Collection method: clinical testing. Allele origin: unknown.

GeneDx
Classification: Likely benign. Last evaluated: 2021-01-14. Review status: criteria provided, single submitter. Criteria: GeneDx Variant Classification Process June 2021. Collection method: clinical testing. Allele origin: germline. Affected: yes.

Genetic Services Laboratory, University of Chicago
Classification: Likely benign. Last evaluated: 2019-10-24. Review status: criteria provided, single submitter. Criteria: ACMG Guidelines, 2015. Collection method: clinical testing. Allele origin: germline. Affected: no.

PreventionGenetics, part of Exact Sciences
Classification: Likely benign for KMT2D-related condition. Last evaluated: 2021-03-29. Review status: no assertion criteria provided. Collection method: clinical testing. Allele origin: germline. Not counted in ClinVar's aggregate classification.
Comment: This variant is classified as likely benign based on ACMG/AMP sequence variant interpretation guidelines (Richards et al. 2015 PMID: 25741868, with internal and published modifications).

NM_003482.4(KMT2D):c.15558C>T (p.His5186=)

Gene: KMT2D (lysine methyltransferase 2D; minus strand). Cytogenetic location: 12q13.12.
Variant type: single nucleotide variant.
Coding change: c.15558C>T on transcript NM_003482.4 (MANE Select); coding-DNA position 15558, C replaced by T.
Protein change: p.His5186=; no amino-acid change (histidine 5186 retained).
Molecular consequence: synonymous variant.
Genome position (GRCh38, 1-based): chr12:49,026,408, G>A on the plus strand (C>T on the coding strand, the complement: KMT2D is on the minus strand). VCF-style: chr12-49026408-G-A. GRCh37 (hg19) VCF-style: chr12-49420191-G-A.
Identifiers: ClinVar variation 710584 (VCV000710584.24), dbSNP rs2024, ClinGen allele CA6545542.